The following is an entry in ClinVar:

ClinVar aggregate classification (germline): Uncertain significance. Review status: criteria provided, multiple submitters, no conflicts (2 of 4 stars). 3 submissions from 3 submitters: Uncertain significance (2). 1 of the submissions does not count toward it. Last evaluated 2024-10-15.

Conditions:
Hereditary cancer-predisposing syndrome. Also called: Hereditary Cancer Syndrome; Hereditary neoplastic syndrome; Tumor predisposition; Neoplastic Syndromes, Hereditary. Identifiers: Orphanet 140162, MedGen C0027672, MeSH D009386, MONDO:0015356.

Allele frequency attached by ClinVar (database versions not stated): TOPMed below 0.00001; ExAC 0.00001.
gnomAD v4.1: 5 of 1,613,760 alleles (0.00031%); highest among the groups gnomAD compares: Non-Finnish European, 0.00042%; no homozygotes.

Submissions (3):

Ambry Genetics
Classification: Uncertain significance for Hereditary cancer-predisposing syndrome. Last evaluated: 2024-10-15. Review status: criteria provided, single submitter. Criteria: Ambry Variant Classification Scheme 2023. Collection method: clinical testing. Allele origin: germline.
Comment: The p.P165H variant (also known as c.494C>A), located in coding exon 4 of the RAD50 gene, results from a C to A substitution at nucleotide position 494. The proline at codon 165 is replaced by histidine, an amino acid with similar properties. This variant has been reported in an individual with immunoglobulin A deficiency (IgAD)/common variable immunodeficiency (CVID), who was also identified to carry a p.R327H alteration on the other RAD50 allele (Offer SM et al. PLoS ONE, 2010 Aug;5:e12260). This amino acid position is highly conserved in available vertebrate species. In addition, this alteration is predicted to be deleterious by in silico analysis. Since supporting evidence is limited at this time, the clinical significance of this alteration remains unclear.

Labcorp Genetics (formerly Invitae), Labcorp
Classification: Uncertain significance for Hereditary cancer-predisposing syndrome. Last evaluated: 2022-11-10. Review status: criteria provided, single submitter. Criteria: Invitae Variant Classification Sherloc (09022015). Collection method: clinical testing. Allele origin: germline.
Comment: In summary, the available evidence is currently insufficient to determine the role of this variant in disease. Therefore, it has been classified as a Variant of Uncertain Significance. Advanced modeling of protein sequence and biophysical properties (such as structural, functional, and spatial information, amino acid conservation, physicochemical variation, residue mobility, and thermodynamic stability) performed at Invitae indicates that this missense variant is expected to disrupt RAD50 protein function. ClinVar contains an entry for this variant (Variation ID: 126996). This variant has not been reported in the literature in individuals affected with RAD50-related conditions. This variant is present in population databases (rs104895044, gnomAD 0.002%). This sequence change replaces proline, which is neutral and non-polar, with histidine, which is basic and polar, at codon 165 of the RAD50 protein (p.Pro165His).

Harris Lab, University of Minnesota
No classification provided. Review status: no classification provided. Collection method: not provided. Allele origin: unknown. Not counted in ClinVar's aggregate classification.

Literature cited by the submitters: PubMed 20805886 (cited by Ambry Genetics).

NM_005732.4(RAD50):c.494C>A (p.Pro165His)

Gene: RAD50 (RAD50 double strand break repair protein; plus strand). Cytogenetic location: 5q31.1.
Variant type: single nucleotide variant.
Coding change: c.494C>A on transcript NM_005732.4 (MANE Select); coding-DNA position 494, C replaced by A.
Protein change: p.Pro165His; replaces proline 165 with histidine.
Molecular consequence: missense variant.
Genome position (GRCh38, 1-based): chr5:132,579,445, C>A. VCF-style: chr5-132579445-C-A. GRCh37 (hg19) VCF-style: chr5-131915137-C-A.
Other names: short protein forms P165H.
Identifiers: ClinVar variation 126996 (VCV000126996.14), dbSNP rs104895044, ClinGen allele CA230712.